The following is an entry in ClinVar:

NM_014055.4(IFT81):c.653_656del (p.Arg218fs)

Gene: IFT81 (intraflagellar transport 81; plus strand). Cytogenetic location: 12q24.11.
Variant type: Microsatellite.
Coding change: c.653_656del on transcript NM_014055.4 (MANE Select); coding-DNA positions 653 to 656, 4 bases deleted (GAGA; older notation c.653_656delGAGA).
Protein change: p.Arg218fs; shifts the reading frame from arginine 218.
Molecular consequence: frameshift variant. On other transcripts: 5 prime UTR variant (2), non-coding transcript variant (4).
Genome position (GRCh38, 1-based): chr12:110,135,394-110,135,397, GAGA deleted; deleting any 4 consecutive bases within chr12:110,135,389-110,135,397 gives the same sequence; the c. name uses the placement nearest the transcript's 3' end. VCF-style (leftmost placement, unchanged base first): chr12-110135388-AAGAG-A. GRCh37 (hg19) VCF-style: chr12-110573193-AAGAG-A.
Other names: c.653_656del, p.Arg218fs (NM_001143779.2, NM_001347946.2, NM_031473.4); c.-118GA[2] (NM_001347947.2, NM_001347948.2); short protein forms R218fs.
Identifiers: ClinVar variation 1895856 (VCV001895856.6), dbSNP rs748009402, ClinGen allele CA6783145.

ClinVar aggregate classification (germline): Pathogenic/Likely pathogenic. Review status: criteria provided, multiple submitters, no conflicts (2 of 4 stars). 2 submissions from 2 submitters: Pathogenic (1); Likely pathogenic (1). Last evaluated 2025-03-17.

Conditions:
IFT81-related disorders.

Submissions (2):

Labcorp Genetics (formerly Invitae), Labcorp
Classification: Pathogenic. Last evaluated: 2025-03-17. Review status: criteria provided, single submitter. Criteria: Invitae Variant Classification Sherloc (09022015). Collection method: clinical testing. Allele origin: germline.
Comment: This sequence change creates a premature translational stop signal (p.Arg218Lysfs*29) in the IFT81 gene. It is expected to result in an absent or disrupted protein product. Loss-of-function variants in IFT81 are known to be pathogenic (PMID: 26275418, 27666822). This variant is present in population databases (rs748009402, gnomAD 0.003%). This variant has not been reported in the literature in individuals affected with IFT81-related conditions. For these reasons, this variant has been classified as Pathogenic.

Blueprint Genetics
Classification: Likely pathogenic for IFT81-related disorders. Last evaluated: 2021-03-12. Review status: criteria provided, single submitter. Criteria: ACMG Guidelines, 2015. Collection method: clinical testing. Allele origin: germline. Affected: yes. Observed: 1 variant allele.

Literature cited by the submitters: PubMed 26275418 (cited by Labcorp Genetics (formerly Invitae), Labcorp); PubMed 27666822 (cited by Labcorp Genetics (formerly Invitae), Labcorp).